The following is an entry in ClinVar:

NM_004260.4(RECQL4):c.615dup (p.Lys206fs)

Gene: RECQL4 (RecQ like helicase 4; minus strand). Cytogenetic location: 8q24.3.
Variant type: Duplication.
Coding change: c.615dup on transcript NM_004260.4 (MANE Select); coding-DNA position 615, one base duplicated (C; older notation c.615dupC).
Protein change: p.Lys206fs; shifts the reading frame from lysine 206.
Molecular consequence: frameshift variant.
Genome position (GRCh38, 1-based): chr8:144,516,504, G duplicated on the plus strand (C on the coding strand, the reverse complement: RECQL4 is on the minus strand); the first of 5 consecutive G bases (chr8:144,516,504-144,516,508); duplicating any one gives the same sequence. VCF-style (leftmost placement, unchanged base first): chr8-144516503-T-TG. GRCh37 (hg19) VCF-style: chr8-145741887-T-TG.
Other names: short protein forms K206fs.
Identifiers: ClinVar variation 1029808 (VCV001029808.6), dbSNP rs1815033569, ClinGen allele CA1826369151.

ClinVar aggregate classification (germline): Pathogenic (1 of 4 stars; one submission).

Conditions:
Baller-Gerold syndrome (BGS). Also called: CRANIOSYNOSTOSIS WITH RADIAL DEFECTS. Identifiers: Orphanet 1225, MedGen C0265308, MONDO:0009039, OMIM 218600.

Submission:

Labcorp Genetics (formerly Invitae), Labcorp
Classification: Pathogenic for Baller-Gerold syndrome. Last evaluated: 2023-11-14. Review status: criteria provided, single submitter. Criteria: Invitae Variant Classification Sherloc (09022015). Collection method: clinical testing. Allele origin: germline.
Comment: This sequence change creates a premature translational stop signal (p.Lys206Glnfs*6) in the RECQL4 gene. It is expected to result in an absent or disrupted protein product. Loss-of-function variants in RECQL4 are known to be pathogenic (PMID: 12734318, 12952869). This variant is not present in population databases (gnomAD no frequency). This variant has not been reported in the literature in individuals affected with RECQL4-related conditions. ClinVar contains an entry for this variant (Variation ID: 1029808). For these reasons, this variant has been classified as Pathogenic.

Literature cited by the submitters: PubMed 12734318; PubMed 12952869.